The following is an entry in ClinVar:

NM_000138.5(FBN1):c.-25C>T

Gene: FBN1 (fibrillin 1; minus strand). Cytogenetic location: 15q21.1.
Variant type: single nucleotide variant.
Coding change: c.-25C>T on transcript NM_000138.5 (MANE Select); 25 bases upstream of the start codon, C replaced by T.
Molecular consequence: 5 prime UTR variant.
Genome position (GRCh38, 1-based): chr15:48,644,794, G>A on the plus strand (C>T on the coding strand, the complement: FBN1 is on the minus strand). VCF-style: chr15-48644794-G-A. GRCh37 (hg19) VCF-style: chr15-48936991-G-A.
Identifiers: ClinVar variation 675621 (VCV000675621.1), dbSNP rs973269130, ClinGen allele CA713391346.
Genomic context (GRCh38, chr15:48,644,794, plus strand): 5'-TCCCAGGGCGATCTCCAGCAGACGCCCTCGACGCATGATGCCGAGCCGCCACCGGCTCCC[G>A]CCGCCTCTTGCCGCGCCCGGGGCTCGGTCTGCGGCCGCCGCTGCGCCCTGAAGCGCACCG-3'

ClinVar aggregate classification (germline): Likely benign (1 of 4 stars; one submission).

Allele frequency attached by ClinVar (database versions not stated): TOPMed below 0.00001; gnomAD 0.00001; gnomAD exomes 0.00001.
gnomAD v4.1: 9 of 1,597,238 alleles (0.00056%); highest among the groups gnomAD compares: Non-Finnish European, 0.00068%; no homozygotes.

Submission:

GeneDx
Classification: Likely benign. Last evaluated: 2018-05-16. Review status: criteria provided, single submitter. Criteria: GeneDx Variant Classification (06012015). Collection method: clinical testing. Allele origin: germline. Affected: yes.
Comment: This variant is considered likely benign or benign based on one or more of the following criteria: it is a conservative change, it occurs at a poorly conserved position in the protein, it is predicted to be benign by multiple in silico algorithms, and/or has population frequency not consistent with disease.